The following is an entry in ClinVar:

ClinVar aggregate classification (germline): Benign/Likely benign. Review status: criteria provided, multiple submitters, no conflicts (2 of 4 stars). 10 submissions from 10 submitters: Benign (5); Likely benign (3). 2 of the submissions do not count toward it. Last evaluated 2026-02-01.

Conditions:
Bethlem myopathy 1A. Also called: Bethlem Muscular Dystrophy; MYOPATHY, BENIGN CONGENITAL, WITH CONTRACTURES; Bethlem myopathy 1. Identifiers: Orphanet 610, MedGen CN029274, MONDO:0024530, OMIM 158810.
Collagen 6-related myopathy. Identifiers: MedGen CN117976, MONDO:0100225.

Allele frequency attached by ClinVar (database versions not stated): 1000 Genomes Project 30x 0.00062; 1000 Genomes Project 0.00080; gnomAD exomes 0.00244 and 0.00442; TOPMed 0.00286; gnomAD 0.00287 and 0.00299; ESP Exome Variant Server 0.00412; ExAC 0.00466.
gnomAD v4.1: 6,784 of 1,597,336 alleles (0.42%); highest among the groups gnomAD compares: Non-Finnish European, 0.53%; 17 homozygotes.

Submissions (10):

Labcorp Genetics (formerly Invitae), Labcorp
Classification: Benign for Bethlem myopathy 1A. Last evaluated: 2026-02-01. Review status: criteria provided, single submitter. Criteria: Invitae Variant Classification Sherloc (09022015). Collection method: clinical testing. Allele origin: germline.

Blueprint Genetics
Classification: Likely benign. Last evaluated: 2024-11-19. Review status: criteria provided, single submitter. Criteria: ACMG Guidelines, 2015. Collection method: clinical testing. Allele origin: germline.

Athena Diagnostics
Classification: Benign. Last evaluated: 2024-08-30. Review status: criteria provided, single submitter. Criteria: Athena Diagnostics Criteria. Collection method: clinical testing. Allele origin: unknown.

GeneDx
Classification: Likely benign. Last evaluated: 2021-10-05. Review status: criteria provided, single submitter. Criteria: GeneDx Variant Classification Process June 2021. Collection method: clinical testing. Allele origin: germline. Affected: yes.

Mayo Clinic Laboratories, Mayo Clinic
Classification: Benign. Last evaluated: 2018-04-04. Review status: criteria provided, single submitter. Criteria: ACMG Guidelines, 2015. Collection method: clinical testing. Allele origin: germline. Observed: 4 variant alleles.

Illumina Laboratory Services, Illumina
Classification: Benign for Collagen VI-related myopathy. Last evaluated: 2018-01-13. Review status: criteria provided, single submitter. Criteria: ICSL Variant Classification Criteria 13 December 2019. Collection method: clinical testing. Allele origin: germline.
Comment: This variant was observed in the ICSL laboratory as part of a predisposition screen in an ostensibly healthy population. It had not been previously curated by ICSL or reported in the Human Gene Mutation Database (HGMD: prior to June 1st, 2018), and was therefore a candidate for classification through an automated scoring system. Utilizing variant allele frequency, disease prevalence and penetrance estimates, and inheritance mode, an automated score was calculated to assess if this variant is too frequent to cause the disease. Based on the score and internal cut-off values, a variant classified as benign is not then subjected to further curation. The score for this variant resulted in a classification of benign for this disease.

Genetic Services Laboratory, University of Chicago
Classification: Likely benign. Last evaluated: 2017-09-26. Review status: criteria provided, single submitter. Criteria: ACMG Guidelines, 2015. Collection method: clinical testing. Allele origin: germline. Affected: no.

Eurofins Ntd Llc (ga)
Classification: Benign. Last evaluated: 2012-09-07. Review status: criteria provided, single submitter. Criteria: EGL Classification Definitions 2015. Collection method: clinical testing. Allele origin: germline. Observed: 1 variant allele, 1 heterozygote.

Joint Genome Diagnostic Labs from Nijmegen and Maastricht, Radboudumc and MUMC+
Classification: Likely benign. Review status: no assertion criteria provided. Collection method: clinical testing. Allele origin: germline. Affected: yes. Study: VKGL Data-share Consensus. Not counted in ClinVar's aggregate classification.

Laboratory of Diagnostic Genome Analysis, Leiden University Medical Center (LUMC)
Classification: Likely benign. Review status: no assertion criteria provided. Collection method: clinical testing. Allele origin: germline. Affected: yes. Study: VKGL Data-share Consensus. Not counted in ClinVar's aggregate classification.

Literature cited by the submitters: PubMed 15689448 (cited by Athena Diagnostics).

NM_001848.3(COL6A1):c.2067-10T>C

Gene: COL6A1 (collagen type VI alpha 1 chain; plus strand). Cytogenetic location: 21q22.3.
Variant type: single nucleotide variant.
Coding change: c.2067-10T>C on transcript NM_001848.3 (MANE Select); 10 bases into the intron before coding-DNA position 2067, T replaced by C.
Molecular consequence: intron variant.
Genome position (GRCh38, 1-based): chr21:46,002,208, T>C. VCF-style: chr21-46002208-T-C. GRCh37 (hg19) VCF-style: chr21-47422122-T-C.
Other names: p.?.
Identifiers: ClinVar variation 93846 (VCV000093846.30), dbSNP rs200727020, ClinGen allele CA147362.